The following is an entry in ClinVar:

NM_000108.5(DLD):c.373G>T (p.Glu125Ter)

Gene: DLD (dihydrolipoamide dehydrogenase; plus strand). Cytogenetic location: 7q31.1.
Variant type: single nucleotide variant.
Coding change: c.373G>T on transcript NM_000108.5 (MANE Select); coding-DNA position 373, G replaced by T.
Protein change: p.Glu125Ter; replaces glutamic acid 125 with a stop codon.
Molecular consequence: nonsense.
Genome position (GRCh38, 1-based): chr7:107,904,993, G>T. VCF-style: chr7-107904993-G-T. GRCh37 (hg19) VCF-style: chr7-107545438-G-T.
Other names: c.76G>T, p.Glu26Ter (NM_001289750.1); c.304G>T, p.Glu102Ter (NM_001289751.1); c.373G>T, p.Glu125Ter (NM_001289752.1); short protein forms E102*, E125*, E26*.
Identifiers: ClinVar variation 5012633 (VCV005012633.1).

ClinVar aggregate classification (germline): Pathogenic (1 of 4 stars; one submission).

Conditions:
Pyruvate dehydrogenase E3 deficiency (DLDD). Also called: Dihydrolipoamide Dehydrogenase (E3) Deficiency; DLD DEFICIENCY; E3 DEFICIENCY; Dihydrolipoamide Dehydrogenase E3 Deficiency; MAPLE SYRUP URINE DISEASE, TYPE III; Lipoamide dehydrogenase deficiency, lactic acidosis due to. Identifiers: Orphanet 2394, Orphanet 765, MedGen C5574660, MONDO:0009529, OMIM 246900.

Submission:

Myriad Genetics, Inc.
Classification: Pathogenic for Pyruvate dehydrogenase E3 deficiency. Last evaluated: 2024-01-06. Review status: criteria provided, single submitter. Criteria: Myriad Autosomal Dominant, Autosomal Recessive and X-Linked Classification Criteria (2023). Collection method: clinical testing. Allele origin: unknown.
Comment: NM_000108.3(DLD):c.373G>T(E125*) is expected to be pathogenic in the context of dihydrolipoamide dehydrogenase deficiency. This variant is predicted to lead to an abnormal or absent protein product due to the creation of a premature termination codon in DLD, a gene where loss-of-function variants are known to be pathogenic. Please note: this variant was assessed in the context of healthy population screening.